The following is an entry in ClinVar:

ClinVar aggregate classification (germline): Uncertain significance. Review status: criteria provided, multiple submitters, no conflicts (2 of 4 stars). 2 submissions from 2 submitters: Uncertain significance (2). Last evaluated 2026-07-01.

Allele frequency attached by ClinVar (database versions not stated): ExAC 0.00002; TOPMed 0.00003; gnomAD 0.00004; ESP Exome Variant Server 0.00008.
gnomAD v4.1: 39 of 1,614,060 alleles (0.0024%); highest among the groups gnomAD compares: Middle Eastern, 0.016%; no homozygotes.

Submissions (2):

CeGaT Center for Human Genetics Tuebingen
Classification: Uncertain significance. Last evaluated: 2026-07-01. Review status: criteria provided, single submitter. Criteria: CeGaT Center For Human Genetics Tuebingen Variant Classification Criteria Version 2. Collection method: clinical testing. Allele origin: germline. Affected: yes. Observed: 1 variant allele.
Comment: AVIL: PM2, BP4

Ambry Genetics
Classification: Uncertain significance. Last evaluated: 2023-06-21. Review status: criteria provided, single submitter. Criteria: Ambry Variant Classification Scheme 2023. Collection method: clinical testing. Allele origin: germline.

NM_006576.4(AVIL):c.397G>A (p.Val133Met)

Gene: AVIL (advillin; minus strand). Cytogenetic location: 12q14.1.
Variant type: single nucleotide variant.
Coding change: c.397G>A on transcript NM_006576.4 (MANE Select); coding-DNA position 397, G replaced by A.
Protein change: p.Val133Met; replaces valine 133 with methionine.
Molecular consequence: missense variant.
Genome position (GRCh38, 1-based): chr12:57,811,069, C>T on the plus strand (G>A on the coding strand, the complement: AVIL is on the minus strand). VCF-style: chr12-57811069-C-T. GRCh37 (hg19) VCF-style: chr12-58204852-C-T.
Other names: short protein forms V133M.
Identifiers: ClinVar variation 2590655 (VCV002590655.3), dbSNP rs369062569, ClinGen allele CA6660191.
Genomic context (GRCh38, chr12:57,811,069, plus strand): 5'-CAGGACTAACCTCGGTAGCCCTGATGTTTCTTTTCCCTTTCACATGTAGCAGCCGCTTCA[C>T]GTCGTAGGTATTGGTCTCCACGTGCTTCATCCCAGAGGCGACACCCCCCTGCTTGTAGCT-3'
Protein context (NP_006567.3, residues 123-143): MKHVETNTYD[Val133Met]KRLLHVKGKR